The following is an entry in ClinVar:

NM_006939.4(SOS2):c.969+181G>T

Gene: SOS2 (SOS Ras/Rho guanine nucleotide exchange factor 2; minus strand). Cytogenetic location: 14q21.3.
Variant type: single nucleotide variant.
Coding change: c.969+181G>T on transcript NM_006939.4 (MANE Select); 181 bases into the intron after coding-DNA position 969, G replaced by T.
Molecular consequence: intron variant.
Genome position (GRCh38, 1-based): chr14:50,180,391, C>A on the plus strand (G>T on the coding strand, the complement: SOS2 is on the minus strand). VCF-style: chr14-50180391-C-A. GRCh37 (hg19) VCF-style: chr14-50647109-C-A.
Identifiers: ClinVar variation 561649 (VCV000561649.1), dbSNP rs55847805, ClinGen allele CA260706226.
Genomic context (GRCh38, chr14:50,180,391, plus strand): 5'-TATGTGCCAAATTCTTCTGGTCATTCAGTACTCATGATGTTGTACTATAAAAGATTTCTA[C>A]AATAAGAACAGACAGAACTCCAGAGAGAAAACAGAAGATAATCCAAAACAGGTTTAGAAT-3'

ClinVar aggregate classification (germline): Likely benign (1 of 4 stars; one submission).

Allele frequency attached by ClinVar (database versions not stated): gnomAD 0.00486 and 0.00521; TOPMed 0.00613; 1000 Genomes Project 0.00619; 1000 Genomes Project 30x 0.00625.
gnomAD v4.1: 712 of 148,484 alleles (0.48%); highest among the groups gnomAD compares: African/African-American, 1.6%; 4 homozygotes.

Submission:

GeneDx
Classification: Likely benign. Last evaluated: 2018-06-14. Review status: criteria provided, single submitter. Criteria: GeneDx Variant Classification (06012015). Collection method: clinical testing. Allele origin: germline. Affected: yes.
Comment: This variant is considered likely benign or benign based on one or more of the following criteria: it is a conservative change, it occurs at a poorly conserved position in the protein, it is predicted to be benign by multiple in silico algorithms, and/or has population frequency not consistent with disease.